The following is an entry in ClinVar:

ClinVar aggregate classification (germline): Uncertain significance (1 of 4 stars; one submission).

Conditions:
Long QT syndrome (LQTS). Identifiers: MedGen C0023976, MeSH D008133, MONDO:0002442. Disease mechanism: loss of function. Inheritance: Various modes of inheritance.

Submission:

Labcorp Genetics (formerly Invitae), Labcorp
Classification: Uncertain significance for Long QT syndrome. Last evaluated: 2022-01-15. Review status: criteria provided, single submitter. Criteria: Invitae Variant Classification Sherloc (09022015). Collection method: clinical testing. Allele origin: germline.
Comment: This sequence change replaces alanine, which is neutral and non-polar, with threonine, which is neutral and polar, at codon 614 of the KCNH2 protein (p.Ala614Thr). This variant is not present in population databases (gnomAD no frequency). This variant has not been reported in the literature in individuals affected with KCNH2-related conditions. Algorithms developed to predict the effect of missense changes on protein structure and function are either unavailable or do not agree on the potential impact of this missense change (SIFT: "Deleterious"; PolyPhen-2: "Probably Damaging"; Align-GVGD: "Class C0"). This variant disrupts the p.Ala614 amino acid residue in KCNH2. Other variant(s) that disrupt this residue have been determined to be pathogenic (PMID: 9024139, 9544837, 15090700, 16432067, 19057127). This suggests that this residue is clinically significant, and that variants that disrupt this residue are likely to be disease-causing. In summary, the available evidence is currently insufficient to determine the role of this variant in disease. Therefore, it has been classified as a Variant of Uncertain Significance.

Literature cited by the submitters: PubMed 9024139; PubMed 9544837; PubMed 15090700; PubMed 16432067; PubMed 19057127.

NM_000238.4(KCNH2):c.1840G>A (p.Ala614Thr)

Gene: KCNH2 (potassium voltage-gated channel subfamily H member 2; minus strand). Cytogenetic location: 7q36.1.
Variant type: single nucleotide variant.
Coding change: c.1840G>A on transcript NM_000238.4 (MANE Select); coding-DNA position 1840, G replaced by A.
Protein change: p.Ala614Thr; replaces alanine 614 with threonine.
Molecular consequence: missense variant.
Genome position (GRCh38, 1-based): chr7:150,951,553, C>T on the plus strand (G>A on the coding strand, the complement: KCNH2 is on the minus strand). VCF-style: chr7-150951553-C-T. GRCh37 (hg19) VCF-style: chr7-150648641-C-T.
Other names: c.820G>A, p.Ala274Thr (NM_001204798.2, NM_172057.3); c.1552G>A, p.Ala518Thr (NM_001406753.1, NM_001406756.1); c.1663G>A, p.Ala555Thr (NM_001406755.1); c.1540G>A, p.Ala514Thr (NM_001406757.1); c.1840G>A, p.Ala614Thr (NM_172056.3); short protein forms A274T, A514T, A518T, A555T, A614T.
Identifiers: ClinVar variation 2084567 (VCV002084567.4), dbSNP rs2116960374, ClinGen allele CA369857974.